The following is an entry in ClinVar:

ClinVar aggregate classification (germline): Uncertain significance (1 of 4 stars; one submission).

Conditions:
Inborn genetic diseases. Identifiers: MedGen C0950123, MeSH D030342.

Submission:

Ambry Genetics
Classification: Uncertain significance for Inborn genetic diseases. Last evaluated: 2025-02-22. Review status: criteria provided, single submitter. Criteria: Ambry Variant Classification Scheme 2023. Collection method: clinical testing. Allele origin: germline.
Comment: The p.C1056Y variant (also known as c.3167G>A), located in coding exon 14 of the FANCM gene, results from a G to A substitution at nucleotide position 3167. The cysteine at codon 1056 is replaced by tyrosine, an amino acid with highly dissimilar properties. This amino acid position is conserved. In addition, this alteration is predicted to be tolerated by in silico analysis. Based on the available evidence, the clinical significance of this variant remains unclear.

NM_020937.4(FANCM):c.3167G>A (p.Cys1056Tyr)

Gene: FANCM (FA complementation group M; plus strand). Cytogenetic location: 14q21.2.
Variant type: single nucleotide variant.
Coding change: c.3167G>A on transcript NM_020937.4 (MANE Select); coding-DNA position 3167, G replaced by A.
Protein change: p.Cys1056Tyr; replaces cysteine 1056 with tyrosine.
Molecular consequence: missense variant.
Genome position (GRCh38, 1-based): chr14:45,175,921, G>A. VCF-style: chr14-45175921-G-A. GRCh37 (hg19) VCF-style: chr14-45645124-G-A.
Other names: c.3089G>A, p.Cys1030Tyr (NM_001308133.2); short protein forms C1030Y, C1056Y.
Identifiers: ClinVar variation 3848757 (VCV003848757.1).